The following is an entry in ClinVar:

NM_001692.4(ATP6V1B1):c.133_138delinsCAGT (p.Cys45fs)

Genes: ATP6V1B1 (ATPase H+ transporting V1 subunit B1; plus strand), ATP6V1B1-AS1 (ATP6V1B1 antisense RNA 1; minus strand). Cytogenetic location: 2p13.3.
Variant type: Indel.
Coding change: c.133_138delinsCAGT on transcript NM_001692.4 (MANE Select); coding-DNA positions 133 to 138, TGCAGC replaced by CAGT.
Protein change: p.Cys45fs; shifts the reading frame from cysteine 45.
Molecular consequence: frameshift variant.
Genome position (GRCh38, 1-based): chr2:70,943,672-70,943,677, TGCAGC replaced by CAGT. VCF-style: chr2-70943672-TGCAGC-CAGT. GRCh37 (hg19) VCF-style: chr2-71170802-TGCAGC-CAGT.
Other names: short protein forms C45fs.
Identifiers: ClinVar variation 5010819 (VCV005010819.1).

ClinVar aggregate classification (germline): Pathogenic (1 of 4 stars; one submission).

Conditions:
Renal tubular acidosis with progressive nerve deafness. Also called: RENAL TUBULAR ACIDOSIS, AUTOSOMAL RECESSIVE, WITH PROGRESSIVE NERVE DEAFNESS; RTA WITH PROGRESSIVE NERVE DEAFNESS; Distal Renal Tubular Acidosis with Progressive Sensorineural Deafness; renal tubular acidosis, distal, 2, with progressive sensorineural hearing loss. Identifiers: MedGen C0403554, MONDO:0009968, OMIM 267300.

Submission:

Myriad Genetics, Inc.
Classification: Pathogenic for Renal tubular acidosis with progressive nerve deafness. Last evaluated: 2024-05-14. Review status: criteria provided, single submitter. Criteria: Myriad Autosomal Dominant, Autosomal Recessive and X-Linked Classification Criteria (2023). Collection method: clinical testing. Allele origin: unknown.
Comment: NM_001692.3(ATP6V1B1):c.133_138del6ins4(C45Qfs*37) is expected to be pathogenic in the context of distal renal tubular acidosis with deafness, ATP6V1B1-related. This variant is predicted to lead to an abnormal or absent protein product due to the creation of a premature termination codon in ATP6V1B1, a gene where loss-of-function variants are known to be pathogenic. Please note: this variant was assessed in the context of healthy population screening.